The following is an entry in ClinVar:

ClinVar aggregate classification (germline): Conflicting classifications of pathogenicity. Review status: criteria provided, conflicting classifications (1 of 4 stars). 6 submissions from 5 submitters: Uncertain significance (1); Benign (2); Likely benign (3). Last evaluated 2024-08-19.

Conditions:
Maturity-onset diabetes of the young (MODY). Also called: Maturity onset diabetes mellitus in young. Identifiers: Orphanet 552, MedGen C0342276, MONDO:0018911, HP:0004904.
Familial hyperinsulinism. Also called: Congenital hyperinsulinism. Identifiers: Orphanet 276525, MedGen C3888018, MONDO:0017182. Disease mechanism: loss of function.
Maturity-onset diabetes of the young type 1. Also called: MODY, type I; MODY type 1; Diabetes mellitus MODY type 1; MODY HNF4A related; HNF4A-Related Maturity-Onset Diabetes of the Young Type 1; MILD JUVENILE DIABETES MELLITUS. Identifiers: Orphanet 552, MedGen C1852093, MONDO:0007452, OMIM 125850. Disease mechanism: loss of function.

Allele frequency attached by ClinVar (database versions not stated): TOPMed 0.00004; gnomAD 0.00006; gnomAD exomes 0.00013; 1000 Genomes Project 30x 0.00016.
gnomAD v4.1: 56 of 1,613,802 alleles (0.0035%); highest among the groups gnomAD compares: East Asian, 0.04%; no homozygotes.

Submissions (6):

Labcorp Genetics (formerly Invitae), Labcorp
Classification: Benign. Last evaluated: 2024-08-19. Review status: criteria provided, single submitter. Criteria: Invitae Variant Classification Sherloc (09022015). Collection method: clinical testing. Allele origin: germline.

Ambry Genetics
Classification: Likely benign for Maturity-onset diabetes of the young. Last evaluated: 2022-03-03. Review status: criteria provided, single submitter. Criteria: Ambry Variant Classification Scheme 2023. Collection method: clinical testing. Allele origin: germline.

Illumina Laboratory Services, Illumina
Classification: Likely benign for Maturity-onset diabetes of the young type 1. Last evaluated: 2018-01-12. Review status: criteria provided, single submitter. Criteria: ICSL Variant Classification Criteria 13 December 2019. Collection method: clinical testing. Allele origin: germline.
Comment: This variant was observed in the ICSL laboratory as part of a predisposition screen in an ostensibly healthy population. It had not been previously curated by ICSL or reported in the Human Gene Mutation Database (HGMD: prior to June 1st, 2018), and was therefore a candidate for classification through an automated scoring system. Utilizing variant allele frequency, disease prevalence and penetrance estimates, and inheritance mode, an automated score was calculated to assess if this variant is too frequent to cause the disease. Based on the score and internal cut-off values, a variant classified as likely benign is not then subjected to further curation. The score for this variant resulted in a classification of likely benign for this disease.

Illumina Laboratory Services, Illumina
Classification: Uncertain significance for Familial hyperinsulinism. Last evaluated: 2018-01-12. Review status: criteria provided, single submitter. Criteria: ICSL Variant Classification Criteria 13 December 2019. Collection method: clinical testing. Allele origin: germline.

GeneDx
Classification: Likely benign. Last evaluated: 2017-06-30. Review status: criteria provided, single submitter. Criteria: GeneDx Variant Classification (06012015). Collection method: clinical testing. Allele origin: germline. Affected: yes.
Comment: This variant is considered likely benign or benign based on one or more of the following criteria: it is a conservative change, it occurs at a poorly conserved position in the protein, it is predicted to be benign by multiple in silico algorithms, and/or has population frequency not consistent with disease.

Clinical Genomics, Uppaluri K&H Personalized Medicine Clinic
Classification: Benign for Maturity-onset diabetes of the young. Review status: criteria provided, single submitter. Criteria: K & H Uppaluri Personalized Medicine Clinic Variant Classification & Assertion Criteria_Updated V.1. Collection method: research. Allele origin: unknown. Inheritance: Autosomal dominant inheritance.
Comment: Potent mutations in HNF4A are associated with poor insulin secretion in response to hyperglycemia. Associated with MODY1. Patients initially respond well to sulfonylureas but eventually become insulin dependent. However, more evidence is required to ascertain the role of this particular variant rs759084238 in MODY, yet.

Literature cited by the submitters: PubMed 18268044 (cited by Clinical Genomics, Uppaluri K&H Personalized Medicine Clinic); PubMed 17563455 (cited by Clinical Genomics, Uppaluri K&H Personalized Medicine Clinic); PubMed 32583173 (cited by Clinical Genomics, Uppaluri K&H Personalized Medicine Clinic); PubMed 35052457 (cited by Clinical Genomics, Uppaluri K&H Personalized Medicine Clinic); PubMed 35118593 (cited by Clinical Genomics, Uppaluri K&H Personalized Medicine Clinic); DOI 10.1159/000334532 (cited by Clinical Genomics, Uppaluri K&H Personalized Medicine Clinic).

NM_175914.5(HNF4A):c.624C>T (p.Leu208=)

Gene: HNF4A (hepatocyte nuclear factor 4 alpha; plus strand). Cytogenetic location: 20q13.12.
Variant type: single nucleotide variant.
Coding change: c.624C>T on transcript NM_175914.5 (MANE Select); coding-DNA position 624, C replaced by T.
Protein change: p.Leu208=; no amino-acid change (leucine 208 retained).
Molecular consequence: synonymous variant.
Genome position (GRCh38, 1-based): chr20:44,418,466, C>T. VCF-style: chr20-44418466-C-T. GRCh37 (hg19) VCF-style: chr20-43047106-C-T.
Other names: c.690C>T, p.Leu230= (NM_000457.6, NM_178849.3, NM_178850.3); c.624C>T, p.Leu208= (NM_001030003.3, NM_001030004.3); c.669C>T, p.Leu223= (NM_001258355.2); c.615C>T, p.Leu205= (NM_001287182.2, NM_001287183.2, NM_001287184.2).
Identifiers: ClinVar variation 510584 (VCV000510584.16), dbSNP rs759084238, ClinGen allele CA9870325.